The following is an entry in ClinVar:

NM_000384.3(APOB):c.3400A>G (p.Arg1134Gly)

Gene: APOB (apolipoprotein B; minus strand). Cytogenetic location: 2p24.1.
Variant type: single nucleotide variant.
Coding change: c.3400A>G on transcript NM_000384.3 (MANE Select); coding-DNA position 3400, A replaced by G.
Protein change: p.Arg1134Gly; replaces arginine 1134 with glycine.
Molecular consequence: missense variant.
Genome position (GRCh38, 1-based): chr2:21,015,478, T>C on the plus strand (A>G on the coding strand, the complement: APOB is on the minus strand). VCF-style: chr2-21015478-T-C. GRCh37 (hg19) VCF-style: chr2-21238350-T-C.
Other names: short protein forms R1134G.
Identifiers: ClinVar variation 925766 (VCV000925766.11), dbSNP rs769299791, ClinGen allele CA058742.

ClinVar aggregate classification (germline): Uncertain significance. Review status: criteria provided, multiple submitters, no conflicts (2 of 4 stars). 3 submissions from 3 submitters: Uncertain significance (3). Last evaluated 2026-02-23.

Conditions:
Cardiovascular phenotype. Identifiers: MedGen CN230736.
Familial hypobetalipoproteinemia 1. Also called: Hypobetalipoproteinemia, normotriglyceridemic; Acanthocytosis with hypobetalipoproteinemia; APOB-Related Familial Hypobetalipoproteinemia. Identifiers: MedGen C4551990, MONDO:0014252, OMIM 615558.
Hypercholesterolemia, autosomal dominant, type B (FHCL2). Also called: Familial Hypercholesterolemia Type B; HYPERCHOLESTEROLEMIA, FAMILIAL, DUE TO LIGAND-DEFECTIVE APOLIPOPROTEIN B; Familial hypercholesterolemia 2; APOB-Related Familial Hypercholesterolemia, Autosomal Dominant; APOLIPOPROTEIN B-100, FAMILIAL DEFECTIVE; APOLIPOPROTEIN B-100, FAMILIAL LIGAND-DEFECTIVE. Identifiers: MedGen C1704417, MONDO:0007751, OMIM 144010.
Spastic ataxia. Identifiers: Orphanet 316226, MedGen C1849156, MONDO:0017845, HP:0002497.

Allele frequency attached by ClinVar (database versions not stated): ExAC 0.00001; gnomAD 0.00001; gnomAD exomes 0.00001; TOPMed 0.00002.
gnomAD v4.1: 14 of 1,613,990 alleles (0.00087%); highest among the groups gnomAD compares: Non-Finnish European, 0.0012%; no homozygotes.

Submissions (3):

Ambry Genetics
Classification: Uncertain significance for Cardiovascular phenotype. Last evaluated: 2026-02-23. Review status: criteria provided, single submitter. Criteria: Ambry Variant Classification Scheme 2023. Collection method: clinical testing. Allele origin: germline.

Labcorp Genetics (formerly Invitae), Labcorp
Classification: Uncertain significance for Familial hypobetalipoproteinemia 1; Hypercholesterolemia, autosomal dominant, type B. Last evaluated: 2023-11-15. Review status: criteria provided, single submitter. Criteria: Invitae Variant Classification Sherloc (09022015). Collection method: clinical testing. Allele origin: germline.
Comment: This sequence change replaces arginine, which is basic and polar, with glycine, which is neutral and non-polar, at codon 1134 of the APOB protein (p.Arg1134Gly). This variant is present in population databases (rs769299791, gnomAD 0.002%). This missense change has been observed in individual(s) with spastic ataxia (PMID: 34445196). ClinVar contains an entry for this variant (Variation ID: 925766). Advanced modeling of protein sequence and biophysical properties (such as structural, functional, and spatial information, amino acid conservation, physicochemical variation, residue mobility, and thermodynamic stability) performed at Invitae indicates that this missense variant is not expected to disrupt APOB protein function with a negative predictive value of 95%. In summary, the available evidence is currently insufficient to determine the role of this variant in disease. Therefore, it has been classified as a Variant of Uncertain Significance.

Molecular Medicine for Neurodegenerative and Neuromuscular Diseases Unit, IRCCS Fondazione Stella Maris
Classification: Uncertain significance for Spastic ataxia. Last evaluated: 2021-01-04. Review status: criteria provided, single submitter. Criteria: ACMG Guidelines, 2015. Collection method: research. Allele origin: unknown. Affected: yes.

Literature cited by the submitters: PubMed 34445196 (cited by Labcorp Genetics (formerly Invitae), Labcorp).